The following is an entry in ClinVar:

ClinVar aggregate classification (germline): Uncertain significance (1 of 4 stars; one submission).

Conditions:
Inborn genetic diseases. Identifiers: MedGen C0950123, MeSH D030342.

Submission:

Ambry Genetics
Classification: Uncertain significance for Inborn genetic diseases. Last evaluated: 2026-06-13. Review status: criteria provided, single submitter. Criteria: Ambry Variant Classification Scheme 2023. Collection method: clinical testing. Allele origin: germline.
Comment: The p.G645V variant (also known as c.1934G>T), located in coding exon 22 of the RTEL1 gene, results from a G to T substitution at nucleotide position 1934. The glycine at codon 645 is replaced by valine, an amino acid with dissimilar properties. This amino acid position is conserved. In addition, this alteration is predicted to be deleterious by in silico analysis. Based on the available evidence, the clinical significance of this variant remains unclear.

NM_001283009.2(RTEL1):c.1934G>T (p.Gly645Val)

Genes: RTEL1 (regulator of telomere elongation helicase 1; plus strand), RTEL1-TNFRSF6B (RTEL1-TNFRSF6B readthrough (NMD candidate); plus strand). Cytogenetic location: 20q13.33.
Variant type: single nucleotide variant.
Coding change: c.1934G>T on transcript NM_001283009.2 (MANE Select); coding-DNA position 1934, G replaced by T.
Protein change: p.Gly645Val; replaces glycine 645 with valine.
Molecular consequence: missense variant. On other transcripts: non-coding transcript variant (1).
Genome position (GRCh38, 1-based): chr20:63,689,557, G>T. VCF-style: chr20-63689557-G-T. GRCh37 (hg19) VCF-style: chr20-62320910-G-T.
Other names: c.1265G>T, p.Gly422Val (NM_001283010.1); c.1934G>T, p.Gly645Val (NM_016434.4); c.2006G>T, p.Gly669Val (NM_032957.5); short protein forms G422V, G645V, G669V.
Identifiers: ClinVar variation 4863621 (VCV004863621.1).